The following is an entry in ClinVar:

ClinVar aggregate classification (germline): Uncertain significance (1 of 4 stars; one submission).

Submission:

Labcorp Genetics (formerly Invitae), Labcorp
Classification: Uncertain significance. Last evaluated: 2023-03-01. Review status: criteria provided, single submitter. Criteria: Invitae Variant Classification Sherloc (09022015). Collection method: clinical testing. Allele origin: germline.
Comment: This sequence change replaces proline, which is neutral and non-polar, with serine, which is neutral and polar, at codon 638 of the EXTL3 protein (p.Pro638Ser). In summary, the available evidence is currently insufficient to determine the role of this variant in disease. Therefore, it has been classified as a Variant of Uncertain Significance. Advanced modeling of protein sequence and biophysical properties (such as structural, functional, and spatial information, amino acid conservation, physicochemical variation, residue mobility, and thermodynamic stability) has been performed at Invitae for this missense variant, however the output from this modeling did not meet the statistical confidence thresholds required to predict the impact of this variant on EXTL3 protein function. This variant has not been reported in the literature in individuals affected with EXTL3-related conditions. This variant is not present in population databases (gnomAD no frequency).

NM_001440.4(EXTL3):c.1912C>T (p.Pro638Ser)

Gene: EXTL3 (exostosin like glycosyltransferase 3; plus strand). Cytogenetic location: 8p21.1.
Variant type: single nucleotide variant.
Coding change: c.1912C>T on transcript NM_001440.4 (MANE Select); coding-DNA position 1912, C replaced by T.
Protein change: p.Pro638Ser; replaces proline 638 with serine.
Molecular consequence: missense variant.
Genome position (GRCh38, 1-based): chr8:28,717,971, C>T. VCF-style: chr8-28717971-C-T. GRCh37 (hg19) VCF-style: chr8-28575488-C-T.
Other names: short protein forms P638S.
Identifiers: ClinVar variation 2841900 (VCV002841900.3), dbSNP rs2486632411, ClinGen allele CA370861071.
Genomic context (GRCh38, chr8:28,717,971, plus strand): 5'-CCCTTTGACCCTGTGTTGCCCTCAGAGGCCAAATTCTTGGGCTCAGGGACTGGCTTTCGG[C>T]CTATTGGTGGTGGAGCTGGGGGTTCTGGCAAGGAATTTCAGGCAGCGCTTGGAGGCAATG-3'
Protein context (NP_001431.1, residues 628-648): KFLGSGTGFR[Pro638Ser]IGGGAGGSGK